The following is an entry in ClinVar:

NM_001369268.1(ACAN):c.1228A>G (p.Ser410Gly)

Gene: ACAN (aggrecan; plus strand). Cytogenetic location: 15q26.1.
Variant type: single nucleotide variant.
Coding change: c.1228A>G on transcript NM_001369268.1 (MANE Select); coding-DNA position 1228, A replaced by G.
Protein change: p.Ser410Gly; replaces serine 410 with glycine.
Molecular consequence: missense variant.
Genome position (GRCh38, 1-based): chr15:88,845,681, A>G. VCF-style: chr15-88845681-A-G. GRCh37 (hg19) VCF-style: chr15-89388912-A-G.
Other names: c.1228A>G, p.Ser410Gly (NM_001135.4, NM_001411096.1, NM_001411097.1 and 1 more transcripts); short protein forms S410G.
Identifiers: ClinVar variation 2957794 (VCV002957794.3), dbSNP rs766146982, ClinGen allele CA7719500.

ClinVar aggregate classification (germline): Uncertain significance (1 of 4 stars; one submission).

Allele frequency attached by ClinVar (database versions not stated): gnomAD exomes 0.00001; TOPMed 0.00001; ExAC 0.00004.
gnomAD v4.1: 6 of 1,614,028 alleles (0.00037%); highest among the groups gnomAD compares: Admixed American, 0.01%; no homozygotes.

Submission:

Labcorp Genetics (formerly Invitae), Labcorp
Classification: Uncertain significance. Last evaluated: 2022-11-03. Review status: criteria provided, single submitter. Criteria: Invitae Variant Classification Sherloc (09022015). Collection method: clinical testing. Allele origin: germline.
Comment: Advanced modeling of protein sequence and biophysical properties (such as structural, functional, and spatial information, amino acid conservation, physicochemical variation, residue mobility, and thermodynamic stability) performed at Invitae indicates that this missense variant is not expected to disrupt ACAN protein function. This variant has not been reported in the literature in individuals affected with ACAN-related conditions. This variant is present in population databases (rs766146982, gnomAD 0.02%). This sequence change replaces serine, which is neutral and polar, with glycine, which is neutral and non-polar, at codon 410 of the ACAN protein (p.Ser410Gly). In summary, the available evidence is currently insufficient to determine the role of this variant in disease. Therefore, it has been classified as a Variant of Uncertain Significance.